The following is an entry in ClinVar:

ClinVar aggregate classification (germline): Uncertain significance. Review status: criteria provided, multiple submitters, no conflicts (2 of 4 stars). 2 submissions from 2 submitters: Uncertain significance (2). Last evaluated 2022-10-25.

Conditions:
Long QT syndrome (LQTS). Identifiers: MedGen C0023976, MeSH D008133, MONDO:0002442. Disease mechanism: loss of function. Inheritance: Various modes of inheritance.
Cardiovascular phenotype. Identifiers: MedGen CN230736.

Allele frequency attached by ClinVar (database versions not stated): gnomAD 0.00001.
gnomAD v4.1: 1 of 1,610,882 alleles (0.000062%); highest among the groups gnomAD compares: Admixed American, 0.0017%; no homozygotes.

Submissions (2):

Ambry Genetics
Classification: Uncertain significance for Cardiovascular phenotype. Last evaluated: 2022-10-25. Review status: criteria provided, single submitter. Criteria: Ambry Variant Classification Scheme 2023. Collection method: clinical testing. Allele origin: germline.
Comment: The p.S890C variant (also known as c.2669C>G), located in coding exon 11 of the KCNH2 gene, results from a C to G substitution at nucleotide position 2669. The serine at codon 890 is replaced by cysteine, an amino acid with dissimilar properties. This alteration has been reported in a long Q syndrome (LQTS) cohort (Riur&oacute; H et al. Eur J Hum Genet, 2015 Jan;23:79-85). This amino acid position is highly conserved in available vertebrate species. In addition, this alteration is predicted to be deleterious by in silico analysis. Since supporting evidence is limited at this time, the clinical significance of this alteration remains unclear.

Labcorp Genetics (formerly Invitae), Labcorp
Classification: Uncertain significance for Long QT syndrome. Last evaluated: 2022-07-29. Review status: criteria provided, single submitter. Criteria: Invitae Variant Classification Sherloc (09022015). Collection method: clinical testing. Allele origin: germline.
Comment: Algorithms developed to predict the effect of missense changes on protein structure and function (SIFT, PolyPhen-2, Align-GVGD) all suggest that this variant is likely to be tolerated. This sequence change replaces serine, which is neutral and polar, with cysteine, which is neutral and slightly polar, at codon 890 of the KCNH2 protein (p.Ser890Cys). This variant is not present in population databases (gnomAD no frequency). This missense change has been observed in individual(s) with KCNH2-related conditions (PMID: 24667783). In summary, the available evidence is currently insufficient to determine the role of this variant in disease. Therefore, it has been classified as a Variant of Uncertain Significance.

Literature cited by the submitters: PubMed 24667783 (cited by Ambry Genetics and Labcorp Genetics (formerly Invitae), Labcorp).

NM_000238.4(KCNH2):c.2669C>G (p.Ser890Cys)

Gene: KCNH2 (potassium voltage-gated channel subfamily H member 2; minus strand). Cytogenetic location: 7q36.1.
Variant type: single nucleotide variant.
Coding change: c.2669C>G on transcript NM_000238.4 (MANE Select); coding-DNA position 2669, C replaced by G.
Protein change: p.Ser890Cys; replaces serine 890 with cysteine.
Molecular consequence: missense variant.
Genome position (GRCh38, 1-based): chr7:150,948,467, G>C on the plus strand (C>G on the coding strand, the complement: KCNH2 is on the minus strand). VCF-style: chr7-150948467-G-C. GRCh37 (hg19) VCF-style: chr7-150645555-G-C.
Other names: c.2381C>G, p.Ser794Cys (NM_001406753.1); c.1649C>G, p.Ser550Cys (NM_172057.3); short protein forms S794C, S550C, S890C.
Identifiers: ClinVar variation 1794521 (VCV001794521.7), dbSNP rs1801006181, ClinGen allele CA369853675.